The following is an entry in ClinVar:

NM_173628.4(DNAH17):c.6420C>A (p.Ser2140=)

Genes: DNAH17 (dynein axonemal heavy chain 17; minus strand), DNAH17-AS1 (DNAH17 antisense RNA 1; plus strand). Cytogenetic location: 17q25.3.
Variant type: single nucleotide variant.
Coding change: c.6420C>A on transcript NM_173628.4 (MANE Select); coding-DNA position 6420, C replaced by A.
Protein change: p.Ser2140=; no amino-acid change (serine 2140 retained).
Molecular consequence: synonymous variant.
Genome position (GRCh38, 1-based): chr17:78,492,754, G>T on the plus strand (C>A on the coding strand, the complement: DNAH17 is on the minus strand). VCF-style: chr17-78492754-G-T. GRCh37 (hg19) VCF-style: chr17-76488836-G-T.
Other names: c.6420C>A (NM_173628.3).
Identifiers: ClinVar variation 2648363 (VCV002648363.25), dbSNP rs139006189, ClinGen allele CA8802767.

ClinVar aggregate classification (germline): Likely benign. Review status: criteria provided, single submitter (1 of 4 stars). 2 submissions from 2 submitters: Likely benign (1). 1 of the submissions does not count toward it. Last evaluated 2023-03-01.

Conditions:
DNAH17-related disorder. Also called: DNAH17-related condition.

Allele frequency attached by ClinVar (database versions not stated): gnomAD exomes 0.00024; ExAC 0.00082; gnomAD 0.00210; ESP Exome Variant Server 0.00229; TOPMed 0.00244; 1000 Genomes Project 30x 0.00359; 1000 Genomes Project 0.00379.
gnomAD v4.1: 680 of 1,611,758 alleles (0.042%); highest among the groups gnomAD compares: African/African-American, 0.74%; 2 homozygotes.

Submissions (2):

CeGaT Center for Human Genetics Tuebingen
Classification: Likely benign. Last evaluated: 2023-03-01. Review status: criteria provided, single submitter. Criteria: CeGaT Center For Human Genetics Tuebingen Variant Classification Criteria Version 2. Collection method: clinical testing. Allele origin: germline. Affected: yes. Observed: 1 variant allele.
Comment: DNAH17: BP4, BP7

PreventionGenetics, part of Exact Sciences
Classification: Benign for DNAH17-related condition. Last evaluated: 2019-05-24. Review status: no assertion criteria provided. Collection method: clinical testing. Allele origin: germline. Not counted in ClinVar's aggregate classification.
Comment: This variant is classified as benign based on ACMG/AMP sequence variant interpretation guidelines (Richards et al. 2015 PMID: 25741868, with internal and published modifications).